The following is an entry in ClinVar:

ClinVar aggregate classification (germline): Uncertain significance (1 of 4 stars; one submission).

Conditions:
Vici syndrome (VICIS). Identifiers: Orphanet 1493, MedGen C1855772, MONDO:0009452, OMIM 242840.

Allele frequency attached by ClinVar (database versions not stated): gnomAD exomes below 0.00001.
gnomAD v4.1: 2 of 1,614,002 alleles (0.00012%); highest among the groups gnomAD compares: Non-Finnish European, 0.00017%; no homozygotes.

Submission:

Labcorp Genetics (formerly Invitae), Labcorp
Classification: Uncertain significance for Vici syndrome. Last evaluated: 2023-12-11. Review status: criteria provided, single submitter. Criteria: Invitae Variant Classification Sherloc (09022015). Collection method: clinical testing. Allele origin: germline.
Comment: This sequence change replaces histidine, which is basic and polar, with aspartic acid, which is acidic and polar, at codon 413 of the EPG5 protein (p.His413Asp). This variant is not present in population databases (gnomAD no frequency). This variant has not been reported in the literature in individuals affected with EPG5-related conditions. ClinVar contains an entry for this variant (Variation ID: 1947949). Advanced modeling of protein sequence and biophysical properties (such as structural, functional, and spatial information, amino acid conservation, physicochemical variation, residue mobility, and thermodynamic stability) performed at Invitae indicates that this missense variant is not expected to disrupt EPG5 protein function with a negative predictive value of 80%. In summary, the available evidence is currently insufficient to determine the role of this variant in disease. Therefore, it has been classified as a Variant of Uncertain Significance.

NM_020964.3(EPG5):c.1237C>G (p.His413Asp)

Gene: EPG5 (ectopic P-granules 5 autophagy tethering factor; minus strand). Cytogenetic location: 18q21.1.
Variant type: single nucleotide variant.
Coding change: c.1237C>G on transcript NM_020964.3 (MANE Select); coding-DNA position 1237, C replaced by G.
Protein change: p.His413Asp; replaces histidine 413 with aspartic acid.
Molecular consequence: missense variant.
Genome position (GRCh38, 1-based): chr18:45,952,415, G>C on the plus strand (C>G on the coding strand, the complement: EPG5 is on the minus strand). VCF-style: chr18-45952415-G-C. GRCh37 (hg19) VCF-style: chr18-43532381-G-C.
Other names: c.1237C>G, p.His413Asp (NM_001410858.1, NM_001410859.1); short protein forms H413D.
Identifiers: ClinVar variation 1947949 (VCV001947949.4), dbSNP rs2050930158, ClinGen allele CA402349840.